The following is an entry in ClinVar:

ClinVar aggregate classification (germline): Uncertain significance (1 of 4 stars; one submission).

Conditions:
KBG syndrome (KBGS). Also called: ANKRD11-Related KBG Syndrome. Identifiers: Orphanet 2332, MedGen C0220687, MONDO:0007846, OMIM 148050.

Allele frequency attached by ClinVar (database versions not stated): gnomAD exomes below 0.00001; TOPMed below 0.00001; ExAC 0.00001; gnomAD 0.00001; ESP Exome Variant Server 0.00008.
gnomAD v4.1: 4 of 1,613,856 alleles (0.00025%); highest among the groups gnomAD compares: African/African-American, 0.0013%; no homozygotes.

Submission:

Labcorp Genetics (formerly Invitae), Labcorp
Classification: Uncertain significance for KBG syndrome. Last evaluated: 2024-02-11. Review status: criteria provided, single submitter. Criteria: Invitae Variant Classification Sherloc (09022015). Collection method: clinical testing. Allele origin: germline.
Comment: This sequence change replaces lysine, which is basic and polar, with arginine, which is basic and polar, at codon 736 of the ANKRD11 protein (p.Lys736Arg). This variant is present in population databases (rs141336881, gnomAD 0.007%). This variant has not been reported in the literature in individuals affected with ANKRD11-related conditions. Advanced modeling of protein sequence and biophysical properties (such as structural, functional, and spatial information, amino acid conservation, physicochemical variation, residue mobility, and thermodynamic stability) performed at Invitae indicates that this missense variant is not expected to disrupt ANKRD11 protein function with a negative predictive value of 95%. In summary, the available evidence is currently insufficient to determine the role of this variant in disease. Therefore, it has been classified as a Variant of Uncertain Significance.

NM_013275.6(ANKRD11):c.2207A>G (p.Lys736Arg)

Gene: ANKRD11 (ankyrin repeat domain 11; minus strand). Cytogenetic location: 16q24.3.
Variant type: single nucleotide variant.
Coding change: c.2207A>G on transcript NM_013275.6 (MANE Select); coding-DNA position 2207, A replaced by G.
Protein change: p.Lys736Arg; replaces lysine 736 with arginine.
Molecular consequence: missense variant.
Genome position (GRCh38, 1-based): chr16:89,284,335, T>C on the plus strand (A>G on the coding strand, the complement: ANKRD11 is on the minus strand). VCF-style: chr16-89284335-T-C. GRCh37 (hg19) VCF-style: chr16-89350743-T-C.
Other names: c.2207A>G, p.Lys736Arg (NM_001256182.2, NM_001256183.2); short protein forms K736R.
Identifiers: ClinVar variation 2995010 (VCV002995010.3), dbSNP rs141336881, ClinGen allele CA8242621.